The following is an entry in ClinVar:

ClinVar aggregate classification (germline): Uncertain significance. Review status: criteria provided, multiple submitters, no conflicts (2 of 4 stars). 4 submissions from 3 submitters: Uncertain significance (4). Last evaluated 2026-01-18.

Conditions:
Familial cutaneous telangiectasia and oropharyngeal predisposition cancer syndrome. Identifiers: Orphanet 313846, MedGen C3281203, MONDO:0013806, OMIM 614564.
Seckel syndrome 1 (SCKL1). Also called: MICROCEPHALIC PRIMORDIAL DWARFISM I. Identifiers: Orphanet 808, MedGen C4551474, MONDO:0008869, OMIM 210600.

Submissions (4):

Labcorp Genetics (formerly Invitae), Labcorp
Classification: Uncertain significance. Last evaluated: 2026-01-18. Review status: criteria provided, single submitter. Criteria: Invitae Variant Classification Sherloc (09022015). Collection method: clinical testing. Allele origin: germline.
Comment: This variant, c.1851_1853del, results in the deletion of 1 amino acid(s) of the ATR protein (p.Leu618del), but otherwise preserves the integrity of the reading frame. This variant is present in population databases (rs757490543, gnomAD no frequency). This variant has not been reported in the literature in individuals affected with ATR-related conditions. ClinVar contains an entry for this variant (Variation ID: 962934). Experimental studies and prediction algorithms are not available or were not evaluated, and the functional significance of this variant is currently unknown. In summary, the available evidence is currently insufficient to determine the role of this variant in disease. Therefore, it has been classified as a Variant of Uncertain Significance.

GeneDx
Classification: Uncertain significance. Last evaluated: 2023-05-11. Review status: criteria provided, single submitter. Criteria: GeneDx Variant Classification Process June 2021. Collection method: clinical testing. Allele origin: germline. Affected: yes.
Comment: Not observed at significant frequency in large population cohorts (gnomAD); In-frame deletion of 1 amino acid in a non-repeat region; In silico analysis supports that this variant does not alter protein structure/function; Has not been previously reported as a pathogenic or benign germline variant to our knowledge; This variant is associated with the following publications: (PMID: 36937383)

Genome-Nilou Lab
Classification: Uncertain significance for Seckel syndrome 1. Last evaluated: 2023-02-08. Review status: criteria provided, single submitter. Criteria: ACMG Guidelines, 2015. Collection method: clinical testing. Allele origin: germline.

Genome-Nilou Lab
Classification: Uncertain significance for Familial cutaneous telangiectasia and oropharyngeal predisposition cancer syndrome. Last evaluated: 2023-02-08. Review status: criteria provided, single submitter. Criteria: ACMG Guidelines, 2015. Collection method: clinical testing. Allele origin: germline.

NM_001184.4(ATR):c.1848TCT[1] (p.Leu618del)

Gene: ATR (ATR checkpoint kinase; minus strand). Cytogenetic location: 3q23.
Variant type: Microsatellite.
Coding change: c.1848TCT[1] on transcript NM_001184.4 (MANE Select); one copy of the 3-base unit TCT starting at c.1848; the reference has two copies in a row; one copy, 3 bases deleted.
Protein change: p.Leu618del; deletes leucine 618.
Molecular consequence: inframe deletion.
Genome position (GRCh38, 1-based): chr3:142,558,656-142,558,658, AGA deleted on the plus strand (TCT on the coding strand, the reverse complement: ATR is on the minus strand); deleting any 3 consecutive bases within chr3:142,558,656-142,558,661 gives the same sequence; the position shown is the placement nearest the transcript's 3' end. VCF-style (leftmost placement, unchanged base first): chr3-142558655-TAGA-T. GRCh37 (hg19) VCF-style: chr3-142277497-TAGA-T.
Other names: c.1656TCT[1], p.Leu554del (NM_001354579.2); short protein forms L618del, L554del.
Identifiers: ClinVar variation 962934 (VCV000962934.9), dbSNP rs757490543, ClinGen allele CA2650504.